The following is an entry in ClinVar:

NM_000548.5(TSC2):c.1662_1667dup (p.Ser556_Leu557insAlaSer)

Gene: TSC2 (TSC complex subunit 2; plus strand). Cytogenetic location: 16p13.3.
Variant type: Duplication.
Coding change: c.1662_1667dup on transcript NM_000548.5 (MANE Select); coding-DNA positions 1662 to 1667, 6 bases duplicated (GGCCTC; older notation c.1662_1667dupGGCCTC).
Protein change: p.Ser556_Leu557insAlaSer.
Molecular consequence: non-coding transcript variant (on NR_176225.1).
Genome position (GRCh38, 1-based): chr16:2,065,581-2,065,586, GGCCTC duplicated; duplicating any 6 consecutive bases within chr16:2,065,578-2,065,586 gives the same sequence; the c. name uses the placement nearest the transcript's 3' end. VCF-style (leftmost placement, unchanged base first): chr16-2065577-A-ACTCGGC. GRCh37 (hg19) VCF-style: chr16-2115578-A-ACTCGGC.
Other names: c.1662_1667dup, p.Ser556_Leu557insAlaSer (NM_001077183.3, NM_001114382.3, NM_001363528.2 and 6 more transcripts); c.1551_1556dup, p.Ser519_Leu520insAlaSer (NM_001318827.2, NM_001406670.1, NM_001406678.1); c.1515_1520dup, p.Ser507_Leu508insAlaSer (NM_001318829.2, NM_001406675.1, NM_001406676.1 and 1 more transcripts); c.1062_1067dup, p.Ser356_Leu357insAlaSer (NM_001318831.2, NM_001406680.1, NM_001406682.1 and 6 more transcripts); c.1695_1700dup, p.Ser567_Leu568insAlaSer (NM_001318832.2); c.1752_1757dup, p.Ser586_Leu587insAlaSer (NM_001406667.1, NM_001406668.1); c.1650_1655dup, p.Ser552_Leu553insAlaSer (NM_001406671.1, NM_001406673.1); c.1605_1610dup, p.Ser537_Leu538insAlaSer (NM_001406677.1); and 3 more.
Identifiers: ClinVar variation 3652818 (VCV003652818.2).
Genomic context (GRCh38, chr16:2,065,577, plus strand): 5'-AGGTGATGGCCCGCTCCCTCTCCCCACCCCCGGAGCTGGAAGAAAGGGATGTGGCCGCAT[A>ACTCGGC]CTCGGCCTCCTTGGAGGATGTGAAGACAGCCGTCCTGGGGCTTCTGGTCATCCTTCAGGT-3'

ClinVar aggregate classification (germline): Uncertain significance (1 of 4 stars; one submission).

Conditions:
Tuberous sclerosis 2 (TSC2). Identifiers: Orphanet 805, MedGen C1860707, MONDO:0013199, OMIM 613254.

Submission:

Labcorp Genetics (formerly Invitae), Labcorp
Classification: Uncertain significance for Tuberous sclerosis 2. Last evaluated: 2024-05-09. Review status: criteria provided, single submitter. Criteria: Invitae Variant Classification Sherloc (09022015). Collection method: clinical testing. Allele origin: germline.
Comment: This variant, c.1662_1667dup, results in the insertion of 2 amino acid(s) of the TSC2 protein (p.Ala555_Ser556dup), but otherwise preserves the integrity of the reading frame. This variant is not present in population databases (gnomAD no frequency). This variant has not been reported in the literature in individuals affected with TSC2-related conditions. In summary, the available evidence is currently insufficient to determine the role of this variant in disease. Therefore, it has been classified as a Variant of Uncertain Significance.